The following is an entry in ClinVar:

ClinVar aggregate classification (germline): Pathogenic (1 of 4 stars; one submission).

Conditions:
Cohen syndrome (COH1). Also called: PEPPER SYNDROME; Cutis verticis gyrata, retinitis pigmentosa, and sensorineural deafness. Identifiers: Orphanet 193, MedGen C0265223, MONDO:0008999, OMIM 216550.

Allele frequency attached by ClinVar (database versions not stated): gnomAD exomes below 0.00001; ExAC 0.00001.
gnomAD v4.1: 1 of 1,605,672 alleles (0.000062%); highest among the groups gnomAD compares: East Asian, 0.0022%; no homozygotes.

Submission:

Labcorp Genetics (formerly Invitae), Labcorp
Classification: Pathogenic for Cohen syndrome. Last evaluated: 2022-11-03. Review status: criteria provided, single submitter. Criteria: Invitae Variant Classification Sherloc (09022015). Collection method: clinical testing. Allele origin: germline.
Comment: For these reasons, this variant has been classified as Pathogenic. This variant has not been reported in the literature in individuals affected with VPS13B-related conditions. This variant is present in population databases (rs776456971, gnomAD 0.006%). This sequence change creates a premature translational stop signal (p.Lys52*) in the VPS13B gene. It is expected to result in an absent or disrupted protein product. Loss-of-function variants in VPS13B are known to be pathogenic (PMID: 15141358, 16648375, 20461111).

Literature cited by the submitters: PubMed 15141358; PubMed 16648375; PubMed 20461111.

NM_152564.5(VPS13B):c.154A>T (p.Lys52Ter)

Gene: VPS13B (vacuolar protein sorting 13 homolog B; plus strand). Cytogenetic location: 8q22.2.
Variant type: single nucleotide variant.
Coding change: c.154A>T on transcript NM_152564.5 (MANE Select); coding-DNA position 154, A replaced by T.
Protein change: p.Lys52Ter; replaces lysine 52 with a stop codon.
Molecular consequence: nonsense. On other transcripts: non-coding transcript variant (1).
Genome position (GRCh38, 1-based): chr8:99,038,429, A>T. VCF-style: chr8-99038429-A-T. GRCh37 (hg19) VCF-style: chr8-100050657-A-T.
Other names: c.154A>T, p.Lys52Ter (NM_015243.3, NM_017890.5, NM_181661.3); short protein forms K52*.
Identifiers: ClinVar variation 2797794 (VCV002797794.3), dbSNP rs776456971, ClinGen allele CA4822304.